The following is an entry in ClinVar:

ClinVar aggregate classification (germline): Pathogenic/Likely pathogenic. Review status: criteria provided, multiple submitters, no conflicts (2 of 4 stars). 6 submissions from 6 submitters: Pathogenic (1); Likely pathogenic (4). 1 of the submissions does not count toward it. Last evaluated 2025-07-21.

Conditions:
Glycogen storage disease IV, classic hepatic. Also called: GSD IV, CLASSIC HEPATIC. Identifiers: MedGen C1856301.
Glycogen storage disease, type IV (GSD4). Also called: AMYLOPECTINOSIS; ANDERSEN DISEASE; BRANCHER DEFICIENCY; CIRRHOSIS, FAMILIAL, WITH DEPOSITION OF ABNORMAL GLYCOGEN; GBE1 DEFICIENCY; GLYCOGEN BRANCHING ENZYME DEFICIENCY. Identifiers: Orphanet 367, MedGen C0017923, MONDO:0009292, OMIM 232500.
Adult polyglucosan body disease (APBN). Also called: GBE1-Adult Polyglucosan Body Disease; POLYGLUCOSAN BODY DISEASE, ADULT FORM. Identifiers: Orphanet 206583, MedGen C1849722, MONDO:0009897, OMIM 263570.

Allele frequency attached by ClinVar (database versions not stated): gnomAD exomes 0.00001 and 0.00003; TOPMed 0.00001; gnomAD 0.00001.
gnomAD v4.1: 18 of 1,613,222 alleles (0.0011%); highest among the groups gnomAD compares: Non-Finnish European, 0.0014%; no homozygotes.

Submissions (6):

Natera, Inc.
Classification: Likely pathogenic for Glycogen storage disease type IV. Last evaluated: 2025-07-21. Review status: criteria provided, single submitter. Criteria: Natera Variant Classification Schema (03/2026). Collection method: clinical testing. Allele origin: germline.
Comment: The c.2081T>A variant in GBE1 is a missense variant predicted to cause substitution of isoleucine to asparagine at amino acid 694. This variant is rare in the general population with a frequency below the threshold expected for the associated phenotype(s). This variant has been observed in one or more individuals affected with the associated recessive disease, as either homozygous or compound heterozygous with a second variant (PMID: 38516405, 33332610, 37152446, 34906519). Computational prediction algorithms indicate this variant is likely to affect gene or protein function. Given the available evidence, this variant is classified as Likely Pathogenic.

Broad Center for Mendelian Genomics, Broad Institute of MIT and Harvard
Classification: Likely pathogenic for Glycogen storage disease, type IV. Last evaluated: 2025-04-23. Review status: criteria provided, single submitter. Criteria: ACMG Guidelines, 2015. Collection method: curation. Allele origin: germline. Inheritance: Autosomal recessive inheritance.
Comment: The p.Ile694Asn variant in GBE1 has been reported in at least 6 individuals with GBE1-related disorders (PMID: 34906519, 36628840, 38516405) and has been identified in 0.001% (17/1179496) of European (non-Finnish) chromosomes by the Genome Aggregation Database (gnomAD; dbSNP ID: rs1209123501). Although this variant has been seen in the general population in a heterozygous state, its frequency is low enough to be consistent with a recessive carrier frequency. This variant has also been reported in ClinVar (VCV001053439.5) and has been interpreted as pathogenic/likely pathogenic by Baylor Genetics and GeneDx, and as a variant of uncertain significance by Labcorp Genetics. Of the 6 affected individuals, 2 were compound heterozygotes that carried likely pathogenic/pathogenic variants in trans, which increases the likelihood that the p.Ile694Asn variant is pathogenic (VariationID: 180651, 374517; PMID: 38516405, 36628840). In vitro functional studies provide some evidence that the p.Ile694Asn variant may impact protein function (PMID: 38516405). However, these types of assays may not accurately represent biological function. Computational prediction tools and conservation analyses do not provide strong support for or against an impact to the protein. The phenotype of an individual compound heterozygous for this variant is highly specific for GSD IV based on strict biochemical investigations consistent with disease (PMID: 36628840). In summary, although additional studies are required to fully establish its clinical significance, this variant is likely pathogenic for GBE1-related disorders. ACMG/AMP Criteria applied: PM3_strong, PS3_moderate, PP4, PM2_supporting (Richards 2015).

Fulgent Genetics
Classification: Likely pathogenic for Glycogen storage disease, type IV; Adult polyglucosan body disease. Last evaluated: 2024-02-23. Review status: criteria provided, single submitter. Criteria: ACMG Guidelines, 2015. Collection method: clinical testing. Allele origin: germline.

Baylor Genetics
Classification: Pathogenic for Glycogen storage disease, type IV. Last evaluated: 2023-09-30. Review status: criteria provided, single submitter. Criteria: ACMG Guidelines, 2015. Collection method: clinical testing. Allele origin: unknown.

GeneDx
Classification: Likely pathogenic. Last evaluated: 2023-02-21. Review status: criteria provided, single submitter. Criteria: GeneDx Variant Classification Process June 2021. Collection method: clinical testing. Allele origin: germline. Affected: yes.
Comment: Also observed multiple times with a second variant in the GBE1 gene in unrelated patients in published literature, but it is not known whether the variants occurred on the same (in cis) or on different (in trans) chromosomes (Marangoni et al., 2021; Derks et al., 2021); Not observed at significant frequency in large population cohorts (gnomAD); In silico analysis supports that this missense variant has a deleterious effect on protein structure/function; This variant is associated with the following publications: (PMID: 36628840, 33332610, 34906519)

Labcorp Genetics (formerly Invitae), Labcorp
Classification: Uncertain significance for Glycogen storage disease, type IV; Glycogen storage disease IV, classic hepatic. Last evaluated: 2022-08-05. Review status: flagged submission. Criteria: Invitae Variant Classification Sherloc (09022015). Collection method: clinical testing. Allele origin: germline. Not counted in ClinVar's aggregate classification.
Comment: This sequence change replaces isoleucine, which is neutral and non-polar, with asparagine, which is neutral and polar, at codon 694 of the GBE1 protein (p.Ile694Asn). This variant is present in population databases (no rsID available, gnomAD 0.002%). This missense change has been observed in individual(s) with glycogen storage disease IV (Invitae). In at least one individual the data is consistent with being in trans (on the opposite chromosome) from a pathogenic variant. ClinVar contains an entry for this variant (Variation ID: 1053439). Advanced modeling of protein sequence and biophysical properties (such as structural, functional, and spatial information, amino acid conservation, physicochemical variation, residue mobility, and thermodynamic stability) performed at Invitae indicates that this missense variant is not expected to disrupt GBE1 protein function. In summary, the available evidence is currently insufficient to determine the role of this variant in disease. Therefore, it has been classified as a Variant of Uncertain Significance.
ClinVar note: Reason: Outlier claim with insufficient supporting evidence

Literature cited by the submitters: PubMed 38516405 (cited by Natera, Inc. and Broad Center for Mendelian Genomics, Broad Institute of MIT and Harvard); PubMed 33332610 (cited by Natera, Inc.); PubMed 37152446 (cited by Natera, Inc.); PubMed 34906519 (cited by Natera, Inc. and Broad Center for Mendelian Genomics, Broad Institute of MIT and Harvard); PubMed 36628840 (cited by Broad Center for Mendelian Genomics, Broad Institute of MIT and Harvard).

NM_000158.4(GBE1):c.2081T>A (p.Ile694Asn)

Gene: GBE1 (1,4-alpha-glucan branching enzyme 1; minus strand). Cytogenetic location: 3p12.2.
Variant type: single nucleotide variant.
Coding change: c.2081T>A on transcript NM_000158.4 (MANE Select); coding-DNA position 2081, T replaced by A.
Protein change: p.Ile694Asn; replaces isoleucine 694 with asparagine.
Molecular consequence: missense variant.
Genome position (GRCh38, 1-based): chr3:81,490,435, A>T on the plus strand (T>A on the coding strand, the complement: GBE1 is on the minus strand). VCF-style: chr3-81490435-A-T. GRCh37 (hg19) VCF-style: chr3-81539586-A-T.
Other names: NM_000158.4(GBE1):c.2081T>A; p.Ile694Asn; c.2081T>A (NM_000158.3); short protein forms I694N.
Identifiers: ClinVar variation 1053439 (VCV001053439.7), dbSNP rs1209123501, ClinGen allele CA353686770.